The following is an entry in ClinVar:

NM_213599.3(ANO5):c.649-1173A>G

Gene: ANO5 (anoctamin 5; plus strand). Cytogenetic location: 11p14.3.
Variant type: single nucleotide variant.
Coding change: c.649-1173A>G on transcript NM_213599.3 (MANE Select); 1173 bases into the intron before coding-DNA position 649, A replaced by G.
Molecular consequence: intron variant.
Genome position (GRCh38, 1-based): chr11:22,234,990, A>G. VCF-style: chr11-22234990-A-G. GRCh37 (hg19) VCF-style: chr11-22256536-A-G.
Other names: c.607-1173A>G (NM_001410963.1); c.646-1173A>G (NM_001142649.2); c.604-1173A>G (NM_001410964.1).
Identifiers: ClinVar variation 3338158 (VCV003338158.1).

ClinVar aggregate classification (germline): Uncertain significance (0 of 4 stars; one submission).

Conditions:
Muscle tissue disorder. Also called: muscle disorder; Muscle tissue disease; Muscle disorders; Muscular disease. Identifiers: MedGen CN294483, MONDO:0003939.

gnomAD v4.1: 4 of 152,236 alleles (0.0026%); highest among the groups gnomAD compares: Non-Finnish European, 0.0044%; no homozygotes.

Submission:

Joint Genome Diagnostic Labs from Nijmegen and Maastricht, Radboudumc and MUMC+
Classification: Uncertain significance for muscle disorder. Review status: no assertion criteria provided. Collection method: clinical testing. Allele origin: germline. Affected: yes.